The following is an entry in ClinVar:

ClinVar aggregate classification (germline): Likely benign. Review status: reviewed by expert panel (3 of 4 stars). 23 submissions from 16 submitters: Likely benign (1). 22 of the submissions do not count toward it. Last evaluated 2026-07-20.

Conditions:
CEP290-related disorder. Also called: CEP290-related condition; CEP290-related disorders. Identifiers: MedGen CN239314.
CEP290-related ciliopathy. Also called: CEP290 ciliopathy. Identifiers: MedGen CN305601, MONDO:0100451.
Stuve-Wiedemann syndrome 2. Also called: Stüve-Wiedemann syndrome 2. Identifiers: MedGen C5676919, MONDO:0030756, OMIM 619751.
Kidney disorder. Also called: renal disorder; Nephropathy; renal disease; Kidney disease; Kidney Diseases. Identifiers: MedGen C0022658, MONDO:0005240, HP:0000112.
Joubert syndrome. Also called: JOUBERT-BOLTSHAUSER SYNDROME; Familial aplasia of the vermis. Identifiers: Orphanet 475, MedGen C5979921, MONDO:0018772.
Nephronophthisis. Also called: Juvenile Nephronophthisis. Identifiers: Orphanet 655, MedGen C0687120, MONDO:0019005, HP:0000090.
Meckel-Gruber syndrome. Also called: DYSENCEPHALIA SPLANCHNOCYSTICA; GRUBER SYNDROME; Dysencephalia splachnocystica. Identifiers: Orphanet 564, MedGen C0265215, MONDO:0018921.
Inborn genetic diseases. Identifiers: MedGen C0950123, MeSH D030342.
Retinitis pigmentosa (RP). Identifiers: Orphanet 791, MedGen C0035334, MeSH D012174, MONDO:0019200, OMIM 268000. Inheritance: Autosomal dominant, autosomal recessive and X linked inheritance.
Leber congenital amaurosis (LCA). Also called: Leber's amaurosis. Identifiers: Orphanet 65, MedGen C0339527, MeSH D057130, MONDO:0018998.
Meckel syndrome, type 4 (MKS4). Also called: MECKEL-GRUBER SYNDROME, TYPE 4. Identifiers: Orphanet 564, MedGen C1970161, MONDO:0012626, OMIM 611134.
Bardet-Biedl syndrome 14 (BBS14). Identifiers: Orphanet 110, MedGen C2673874, MONDO:0014442, OMIM 615991.
Senior-Loken syndrome 6 (SLSN6). Identifiers: Orphanet 3156, MedGen C1857779, MONDO:0012433, OMIM 610189.
Leber congenital amaurosis 10 (LCA10). Identifiers: Orphanet 65, MedGen C1857821, MONDO:0012723, OMIM 611755.
Joubert syndrome 5 (JBTS5). Identifiers: Orphanet 2318, MedGen C1857780, MONDO:0012432, OMIM 610188.

Allele frequency attached by ClinVar (database versions not stated): ESP Exome Variant Server 0.00018; gnomAD exomes 0.00050 and 0.00098; gnomAD 0.00054; TOPMed 0.00058; 1000 Genomes Project 0.00140; 1000 Genomes Project 30x 0.00141; ExAC 0.00204.
gnomAD v4.1: 689 of 1,321,500 alleles (0.052%); highest among the groups gnomAD compares: Middle Eastern, 0.38%; 1 homozygote.

Submissions 1 to 14 of 23:

ClinGen Leber Congenital Amaurosis/early Onset Retinal Dystrophy Variant Curation Expert Panel, ClinGen
Classification: Likely benign for CEP290-related ciliopathy. Last evaluated: 2026-07-20. Review status: reviewed by expert panel. Criteria: ClinGen LCAeoRD ACMG Specifications CEP290 V1.0.0. Collection method: curation. Allele origin: germline. Inheritance: Autosomal recessive inheritance.
Comment: NM_025114.4(CEP290):c.1092T>G (p.Ile364Met) is a missense variant that replaces isoleucine with methionine at amino acid 364. This variant is present in gnomAD v4.1.0 at a Grpmax allele frequency of 0.002809, with 153 alleles / 47,428 total alleles in the South Asian population (including one homozygote), which is higher than the ClinGen LCA/eoRD VCEP BS1 threshold of >0.0016 (BS1). This variant is present in gnomAD v4.1.0 at a total allele frequency of 0.0005214, with 689 alleles / 1,321,500 total alleles, which is lower than the ClinGen LCA/eoRD VCEP PM2_Supporting threshold of <0.0006, however, BS1 is met, so PM2_Supporting has not been counted. This variant has been reported in at least 1 proband with early-onset severe retinal dystrophy who harbored the variant in the compound heterozygous state, however, the proband was not counted for PM3 because the NM_025114.4(CEP290):c.1664A>T (p.Lys555Ile) variant suspected in trans has been classified as a VUS (PMID: 31877679). The variant has also been reported in at least 1 proband with a severe sperm motility disorder who harbored the variant in the compound heterozygous state, however, the proband was not counted for PM3 because sufficient details were not reported and because the NM_025114.4(CEP290):c.5998A>G (p.Ile2000Val) variant suspected in trans has been classified as likely benign (PMID: 34089056). The proband also harbored homozygous missense variants in several other candidate genes, but was not counted for BP5 because sufficient phenotype details were not reported and because this code is considered not applicable to CEP290 due to the high genetic heterogeneity and limited phenotypic specificities of retinal dystrophies (PMID: 34089056). The computational predictor CADD gives a score of 24.9, which is above the ClinGen LCA/eoRD VCEP BP4 threshold of <17.3 and below the ClinGen LCA/eoRD VCEP PP3 threshold of ≥25.3, so neither PP3 nor BP4 is met, The splicing impact predictor SpliceAI gives a delta score of 0.03, which is below the threshold of <0.1 and does not predict an impact on splicing. In summary, this variant meets the criteria to be classified as a Likely Benign for CEP290-related ciliopathy based on the ACMG/AMP criteria applied, as specified by the ClinGen LCA/eoRD VCEP: BS1. (LCA/eoRD VCEP Specifications for CEP290 Version 1.0.0)

Labcorp Genetics (formerly Invitae), Labcorp
Classification: Likely benign for Joubert syndrome; Meckel-Gruber syndrome; Nephronophthisis. Last evaluated: 2026-02-04. Review status: criteria provided, single submitter. Criteria: Invitae Variant Classification Sherloc (09022015). Collection method: clinical testing. Allele origin: germline. Not counted in ClinVar's aggregate classification.

Blueprint Genetics
Classification: Likely benign. Last evaluated: 2024-11-25. Review status: criteria provided, single submitter. Criteria: ACMG Guidelines, 2015. Collection method: clinical testing. Allele origin: germline. Not counted in ClinVar's aggregate classification.

CeGaT Center for Human Genetics Tuebingen
Classification: Uncertain significance. Last evaluated: 2023-10-01. Review status: criteria provided, single submitter. Criteria: CeGaT Center For Human Genetics Tuebingen Variant Classification Criteria Version 2. Collection method: clinical testing. Allele origin: germline. Affected: yes. Observed: 2 variant alleles. Not counted in ClinVar's aggregate classification.

Department of Human Genetics, Hannover Medical School
Classification: Uncertain significance for Stuve-Wiedemann syndrome 2. Last evaluated: 2023-08-09. Review status: criteria provided, single submitter. Criteria: ACMG Guidelines, 2015. Collection method: clinical testing. Allele origin: germline. Inheritance: Autosomal recessive inheritance. Affected: yes. Not counted in ClinVar's aggregate classification.

Genome-Nilou Lab
Classification: Uncertain significance for Bardet-Biedl syndrome 14. Last evaluated: 2021-07-14. Review status: criteria provided, single submitter. Criteria: ACMG Guidelines, 2015. Collection method: clinical testing. Allele origin: germline. Affected: no. Not counted in ClinVar's aggregate classification.

Genome-Nilou Lab
Classification: Uncertain significance for Meckel syndrome, type 4. Last evaluated: 2021-07-14. Review status: criteria provided, single submitter. Criteria: ACMG Guidelines, 2015. Collection method: clinical testing. Allele origin: germline. Affected: no. Not counted in ClinVar's aggregate classification.

Genome-Nilou Lab
Classification: Uncertain significance for Senior-Loken syndrome 6. Last evaluated: 2021-07-14. Review status: criteria provided, single submitter. Criteria: ACMG Guidelines, 2015. Collection method: clinical testing. Allele origin: germline. Affected: no. Not counted in ClinVar's aggregate classification.

Molecular Medicine for Neurodegenerative and Neuromuscular Diseases Unit, IRCCS Fondazione Stella Maris
Classification: Uncertain significance for Joubert syndrome 5. Last evaluated: 2021-07-12. Review status: criteria provided, single submitter. Criteria: ACMG Guidelines, 2015. Collection method: research. Allele origin: unknown. Affected: yes. Not counted in ClinVar's aggregate classification.

DBGen Ocular Genomics
Classification: Uncertain significance for Retinitis pigmentosa. Last evaluated: 2021-06-01. Review status: criteria provided, single submitter. Criteria: ACMG Guidelines, 2015. Collection method: clinical testing. Allele origin: germline. Affected: yes. Observed: 1 variant allele. Not counted in ClinVar's aggregate classification.

Genome-Nilou Lab
Classification: Uncertain significance for Joubert syndrome 5. Last evaluated: 2021-05-18. Review status: criteria provided, single submitter. Criteria: ACMG Guidelines, 2015. Collection method: clinical testing. Allele origin: germline. Affected: no. Not counted in ClinVar's aggregate classification.

Genome Diagnostics Laboratory, The Hospital for Sick Children
Classification: Uncertain significance for Kidney disorder. Last evaluated: 2021-05-10. Review status: criteria provided, single submitter. Criteria: ACMG Guidelines, 2015. Collection method: clinical testing. Allele origin: germline. Not counted in ClinVar's aggregate classification.

GeneDx
Classification: Likely benign. Last evaluated: 2019-02-04. Review status: criteria provided, single submitter. Criteria: GeneDx Variant Classification Process June 2021. Collection method: clinical testing. Allele origin: germline. Affected: yes. Not counted in ClinVar's aggregate classification.

Genomic Research Center, Shahid Beheshti University of Medical Sciences
Classification: Uncertain significance for CEP290-Related Disorders. Last evaluated: 2018-08-07. Review status: criteria provided, single submitter. Criteria: ACMG Guidelines, 2015. Collection method: clinical testing. Allele origin: inherited. Affected: yes. Observed: 1 variant allele. Not counted in ClinVar's aggregate classification.

NM_025114.4(CEP290):c.1092T>G (p.Ile364Met)

Gene: CEP290 (centrosomal protein 290; minus strand). Cytogenetic location: 12q21.32.
Variant type: single nucleotide variant.
Coding change: c.1092T>G on transcript NM_025114.4 (MANE Select); coding-DNA position 1092, T replaced by G.
Protein change: p.Ile364Met; replaces isoleucine 364 with methionine.
Molecular consequence: missense variant.
Genome position (GRCh38, 1-based): chr12:88,125,343, A>C on the plus strand (T>G on the coding strand, the complement: CEP290 is on the minus strand). VCF-style: chr12-88125343-A-C. GRCh37 (hg19) VCF-style: chr12-88519120-A-C.
Other names: NM_025114.4(CEP290):c.1092T>G; p.Ile364Met; short protein forms I364M.
Identifiers: ClinVar variation 281250 (VCV000281250.63), dbSNP rs201988582, ClinGen allele CA6712623.
Genomic context (GRCh38, chr12:88,125,343, plus strand): 5'-AATACAAGTATTCTTTTCCATTTCTTTTGTATATTGTTCTACTTGTTCGGTGAGCATCTT[A>C]ATTTGACTGTCTCGTTCCTGTATACCCTATAAAATATTTTAAAACAATATATATCCCTTC-3'
Protein context (NP_079390.3, residues 354-374): QQGIQERDSQ[Ile364Met]KMLTEQVEQY